The following is an entry in ClinVar:

NM_139215.3(TAF15):c.1431T>G (p.Gly477=)

Gene: TAF15 (TATA-box binding protein associated factor 15; plus strand). Cytogenetic location: 17q12.
Variant type: single nucleotide variant.
Coding change: c.1431T>G on transcript NM_139215.3 (MANE Select); coding-DNA position 1431, T replaced by G.
Protein change: p.Gly477=; no amino-acid change (glycine 477 retained).
Molecular consequence: synonymous variant.
Genome position (GRCh38, 1-based): chr17:35,844,730, T>G. VCF-style: chr17-35844730-T-G. GRCh37 (hg19) VCF-style: chr17-34171734-T-G.
Other names: c.1422T>G, p.Gly474= (NM_003487.4).
Identifiers: ClinVar variation 3356759 (VCV003356759.1).

ClinVar aggregate classification (germline): Likely benign (0 of 4 stars; one submission).

Conditions:
TAF15-related disorder. Also called: TAF15-related condition.

Submission:

PreventionGenetics, part of Exact Sciences
Classification: Likely benign for TAF15-related condition. Last evaluated: 2023-07-28. Review status: no assertion criteria provided. Collection method: clinical testing. Allele origin: germline.
Comment: This variant is classified as likely benign based on ACMG/AMP sequence variant interpretation guidelines (Richards et al. 2015 PMID: 25741868, with internal and published modifications).